The following is an entry in ClinVar:

NM_004369.4(COL6A3):c.6210+1G>C

Gene: COL6A3 (collagen type VI alpha 3 chain; minus strand). Cytogenetic location: 2q37.3.
Variant type: single nucleotide variant.
Coding change: c.6210+1G>C on transcript NM_004369.4 (MANE Select); the canonical splice donor site of the intron after coding-DNA position 6210, G replaced by C.
Molecular consequence: splice donor variant.
Genome position (GRCh38, 1-based): chr2:237,361,120, C>G on the plus strand (G>C on the coding strand, the complement: COL6A3 is on the minus strand). VCF-style: chr2-237361120-C-G. GRCh37 (hg19) VCF-style: chr2-238269763-C-G.
Other names: c.4389+1G>C (NM_057166.5); c.5592+1G>C (NM_057167.4).
Identifiers: ClinVar variation 4530688 (VCV004530688.1).
Genomic context (GRCh38, chr2:237,361,120, plus strand): 5'-CCCAATGGGTAAGGATCAAGGAGGGGGTGAAATTTTAGGGACTAAAACAATTTTTACTTA[C>G]GGGTCCACCCTCATCACCAGGATAGCCTCGGTAGCCGTCTTCTCCAGGAATACCCTGAAA-3'

ClinVar aggregate classification (germline): Pathogenic (1 of 4 stars; one submission).

Conditions:
Ullrich congenital muscular dystrophy 1C (UCMD1C). Identifiers: MedGen C5935583, MONDO:0958236, OMIM 620728.

Submission:

Laboratorio de Biologia Molecular/Medicina Genomica - IFF/Fiocruz, Instituto Fernandes Figueira, Fundacao Oswaldo Cruz
Classification: Pathogenic for Ullrich congenital muscular dystrophy 1C. Last evaluated: 2025-01-13. Review status: criteria provided, single submitter. Criteria: ACMG Guidelines, 2015. Collection method: clinical testing. Allele origin: de novo. Affected: yes. Observed: 1 variant allele.
Comment: Variant: c.6210+1G>C in intron 15 of the COL6A3 gene. In silico evidence: SpliceAI predicts complete loss of the donor site (score: 1), supporting an effect on RNA splicing. Population data: Absent from population databases, including gnomAD and ABraOM. Clinical reports: Two additional pathogenic variants affecting the same splice donor site have been reported in individuals with Ullrich congenital muscular dystrophy 1A (Accession: VCV000094956.52; PMID: 29419890), leading to skipping of exon 16 of COL6A3 (PMID: 20976770). Segregation/Phase data: Internal segregation analysis, without confirmation of paternity, indicates that this variant occurred de novo. ACMG/AMP criteria applied: PVS1, PS1_Supporting, PM2_Supporting, PM6_Supporting.

Literature cited by the submitters: PubMed 29419890; PubMed 20976770.